The following is an entry in ClinVar:

NM_000531.6(OTC):c.941_943del (p.Glu314del)

Gene: OTC (ornithine transcarbamylase; plus strand). Cytogenetic location: Xp11.4.
Variant type: Deletion.
Coding change: c.941_943del on transcript NM_000531.6 (MANE Select); coding-DNA positions 941 to 943, 3 bases deleted (AAG; older notation c.941_943delAAG).
Protein change: p.Glu314del; deletes glutamic acid 314.
Molecular consequence: inframe deletion.
Genome position (GRCh38, 1-based): chrX:38,411,935-38,411,937, AAG deleted; deleting any 3 consecutive bases within chrX:38,411,934-38,411,937 gives the same sequence; the c. name uses the placement nearest the transcript's 3' end. VCF-style (leftmost placement, unchanged base first): chrX-38411933-TGAA-T. GRCh37 (hg19) VCF-style: chrX-38271186-TGAA-T.
Other names: short protein forms E314del.
Identifiers: ClinVar variation 97364 (VCV000097364.2), dbSNP rs72558469, ClinGen allele CA224844.

ClinVar aggregate classification (germline): Pathogenic (0 of 4 stars; one submission).

Submission:

GenMed Metabolism Lab
Classification: Pathogenic. Review status: no assertion criteria provided. Collection method: not provided. Allele origin: unknown.
ClinVar note: Converted during submission from pathogenic to Pathogenic.